The following is an entry in ClinVar:

ClinVar aggregate classification (germline): Uncertain significance. Review status: criteria provided, multiple submitters, no conflicts (2 of 4 stars). 2 submissions from 2 submitters: Uncertain significance (2). Last evaluated 2024-10-15.

Conditions:
Alstrom syndrome (ALMS). Identifiers: Orphanet 64, MedGen C0268425, MONDO:0008763, OMIM 203800.

Allele frequency attached by ClinVar (database versions not stated): TOPMed 0.00001.

Submissions (2):

Labcorp Genetics (formerly Invitae), Labcorp
Classification: Uncertain significance for Alstrom syndrome. Last evaluated: 2024-10-15. Review status: criteria provided, single submitter. Criteria: Invitae Variant Classification Sherloc (09022015). Collection method: clinical testing. Allele origin: germline.
Comment: This sequence change replaces serine, which is neutral and polar, with alanine, which is neutral and non-polar, at codon 2479 of the ALMS1 protein (p.Ser2479Ala). This variant is not present in population databases (gnomAD no frequency). This variant has not been reported in the literature in individuals affected with ALMS1-related conditions. ClinVar contains an entry for this variant (Variation ID: 1404821). Experimental studies and prediction algorithms are not available or were not evaluated, and the functional significance of this variant is currently unknown. In summary, the available evidence is currently insufficient to determine the role of this variant in disease. Therefore, it has been classified as a Variant of Uncertain Significance.

Blueprint Genetics
Classification: Uncertain significance. Last evaluated: 2022-06-14. Review status: criteria provided, single submitter. Criteria: ACMG Guidelines, 2015. Collection method: clinical testing. Allele origin: germline.

NM_001378454.1(ALMS1):c.7432T>G (p.Ser2478Ala)

Gene: ALMS1 (ALMS1 centrosome and basal body associated protein; plus strand). Cytogenetic location: 2p13.1.
Variant type: single nucleotide variant.
Coding change: c.7432T>G on transcript NM_001378454.1 (MANE Select); coding-DNA position 7432, T replaced by G.
Protein change: p.Ser2478Ala; replaces serine 2478 with alanine.
Molecular consequence: missense variant.
Genome position (GRCh38, 1-based): chr2:73,453,959, T>G. VCF-style: chr2-73453959-T-G. GRCh37 (hg19) VCF-style: chr2-73681086-T-G.
Other names: c.7435T>G, p.Ser2479Ala (NM_015120.4); short protein forms S2478A, S2479A.
Identifiers: ClinVar variation 1404821 (VCV001404821.6), dbSNP rs1672006362, ClinGen allele CA347292459.
Genomic context (GRCh38, chr2:73,453,959, plus strand): 5'-GATAGCAGGGAGGAAGAGGGTGTGTCAGAGAGTGAGGATGGTGGTGGTAGCAGTGTAGAT[T>G]CACTGGCTGCACATGTGAAAAACCTTCTGCAATGTGAATCCTCACTGAATCATGCTAAAG-3'
Protein context (NP_001365383.1, residues 2468-2488): SEDGGGSSVD[Ser2478Ala]LAAHVKNLLQ